The following is an entry in ClinVar:

ClinVar aggregate classification (germline): Likely pathogenic (1 of 4 stars; one submission).

Conditions:
Alstrom syndrome (ALMS). Identifiers: Orphanet 64, MedGen C0268425, MONDO:0008763, OMIM 203800.

Submission:

Natera, Inc.
Classification: Likely pathogenic for Alstrom syndrome. Last evaluated: 2025-04-29. Review status: criteria provided, single submitter. Criteria: Natera Variant Classification Schema (03/2026). Collection method: clinical testing. Allele origin: germline.
Comment: The c.9649T>A variant in ALMS1 is a missense variant predicted to cause substitution of serine to threonine at amino acid 3217. This variant is rare in the general population with a frequency below the threshold expected for the associated phenotype(s). This variant has been observed in one or more individuals affected with the associated recessive disease, as either homozygous or compound heterozygous with a second variant (PMID: 26047050). This variant has been identified in one or more affected individuals with a phenotype highly consistent with the associated gene (PMID: 26047050). Computational prediction algorithms indicate this variant is likely to affect gene or protein function. Given the available evidence, this variant is classified as Likely Pathogenic.

Literature cited by the submitters: PubMed 26047050.

NM_001378454.1(ALMS1):c.9646T>A (p.Ser3216Thr)

Gene: ALMS1 (ALMS1 centrosome and basal body associated protein; plus strand). Cytogenetic location: 2p13.1.
Variant type: single nucleotide variant.
Coding change: c.9646T>A on transcript NM_001378454.1 (MANE Select); coding-DNA position 9646, T replaced by A.
Protein change: p.Ser3216Thr; replaces serine 3216 with threonine.
Molecular consequence: missense variant.
Genome position (GRCh38, 1-based): chr2:73,519,881, T>A. VCF-style: chr2-73519881-T-A. GRCh37 (hg19) VCF-style: chr2-73747008-T-A.
Other names: c.9649T>A, p.Ser3217Thr (NM_015120.4); short protein forms S3216T, S3217T.
Identifiers: ClinVar variation 4058029 (VCV004058029.2).
Genomic context (GRCh38, chr2:73,519,881, plus strand): 5'-TTGTCATCTGATGCAGTCACTCAGATAACAACAGAAAGTCCAGAAAAGACCCTATTTTCA[T>A]CTGAGATTTTTATTAATGCTGAAGATCGTGGACATGAAATTATAGAGCCTGGTAACCAGA-3'
Protein context (NP_001365383.1, residues 3206-3226): TESPEKTLFS[Ser3216Thr]EIFINAEDRG